The following is an entry in ClinVar:

ClinVar aggregate classification (germline): Likely benign. Review status: criteria provided, multiple submitters, no conflicts (2 of 4 stars). 2 submissions from 2 submitters: Likely benign (2). Last evaluated 2026-01-18.

Allele frequency attached by ClinVar (database versions not stated): ESP Exome Variant Server 0.00008; gnomAD 0.00010; TOPMed 0.00019; 1000 Genomes Project 0.00040; 1000 Genomes Project 30x 0.00047.
gnomAD v4.1: 289 of 1,612,788 alleles (0.018%); highest among the groups gnomAD compares: Middle Eastern, 0.18%; 2 homozygotes.

Submissions (2):

Labcorp Genetics (formerly Invitae), Labcorp
Classification: Likely benign. Last evaluated: 2026-01-18. Review status: criteria provided, single submitter. Criteria: Invitae Variant Classification Sherloc (09022015). Collection method: clinical testing. Allele origin: germline.

CeGaT Center for Human Genetics Tuebingen
Classification: Likely benign. Last evaluated: 2025-09-01. Review status: criteria provided, single submitter. Criteria: CeGaT Center For Human Genetics Tuebingen Variant Classification Criteria Version 2. Collection method: clinical testing. Allele origin: germline. Affected: yes. Observed: 1 variant allele.
Comment: OBSL1: BP4, BP7

NM_015311.3(OBSL1):c.1737C>T (p.Gly579=)

Gene: OBSL1 (obscurin like cytoskeletal adaptor 1; minus strand). Cytogenetic location: 2q35.
Variant type: single nucleotide variant.
Coding change: c.1737C>T on transcript NM_015311.3 (MANE Select); coding-DNA position 1737, C replaced by T.
Protein change: p.Gly579=; no amino-acid change (glycine 579 retained).
Molecular consequence: synonymous variant.
Genome position (GRCh38, 1-based): chr2:219,567,373, G>A on the plus strand (C>T on the coding strand, the complement: OBSL1 is on the minus strand). VCF-style: chr2-219567373-G-A. GRCh37 (hg19) VCF-style: chr2-220432095-G-A.
Other names: c.1737C>T, p.Gly579= (NM_001173408.2, NM_001173431.2).
Identifiers: ClinVar variation 740833 (VCV000740833.18), dbSNP rs374019271, ClinGen allele CA2131444.